The following is an entry in ClinVar:

ClinVar aggregate classification (germline): Uncertain significance (1 of 4 stars; one submission).

Allele frequency attached by ClinVar (database versions not stated): TOPMed below 0.00001; ExAC 0.00001; gnomAD 0.00001.
gnomAD v4.1: 2 of 1,613,862 alleles (0.00012%); highest among the groups gnomAD compares: Non-Finnish European, 0.00017%; no homozygotes.

Submission:

Labcorp Genetics (formerly Invitae), Labcorp
Classification: Uncertain significance. Last evaluated: 2021-08-24. Review status: criteria provided, single submitter. Criteria: Invitae Variant Classification Sherloc (09022015). Collection method: clinical testing. Allele origin: germline.
Comment: This sequence change replaces valine with isoleucine at codon 5214 of the ADGRV1 protein (p.Val5214Ile). The valine residue is weakly conserved and there is a small physicochemical difference between valine and isoleucine. This variant is present in population databases (rs759662630, ExAC 0.001%). This variant has not been reported in the literature in individuals affected with ADGRV1-related conditions. Algorithms developed to predict the effect of missense changes on protein structure and function output the following: SIFT: "Tolerated"; PolyPhen-2: "Benign"; Align-GVGD: "Class C0". The isoleucine amino acid residue is found in multiple mammalian species, which suggests that this missense change does not adversely affect protein function. In summary, the available evidence is currently insufficient to determine the role of this variant in disease. Therefore, it has been classified as a Variant of Uncertain Significance.

NM_032119.4(ADGRV1):c.15640G>A (p.Val5214Ile)

Gene: ADGRV1 (adhesion G protein-coupled receptor V1; plus strand). Cytogenetic location: 5q14.3.
Variant type: single nucleotide variant.
Coding change: c.15640G>A on transcript NM_032119.4 (MANE Select); coding-DNA position 15640, G replaced by A.
Protein change: p.Val5214Ile; replaces valine 5214 with isoleucine.
Molecular consequence: missense variant. On other transcripts: non-coding transcript variant (1).
Genome position (GRCh38, 1-based): chr5:90,810,900, G>A. VCF-style: chr5-90810900-G-A. GRCh37 (hg19) VCF-style: chr5-90106717-G-A.
Other names: short protein forms V5214I.
Identifiers: ClinVar variation 1014813 (VCV001014813.6), dbSNP rs759662630, ClinGen allele CA3341956.